The following is an entry in ClinVar:

NM_014991.6(WDFY3):c.7471C>T (p.Arg2491Ter)

Gene: WDFY3 (WD repeat and FYVE domain containing 3; minus strand). Cytogenetic location: 4q21.23.
Variant type: single nucleotide variant.
Coding change: c.7471C>T on transcript NM_014991.6 (MANE Select); coding-DNA position 7471, C replaced by T.
Protein change: p.Arg2491Ter; replaces arginine 2491 with a stop codon.
Molecular consequence: nonsense.
Genome position (GRCh38, 1-based): chr4:84,721,543, G>A on the plus strand (C>T on the coding strand, the complement: WDFY3 is on the minus strand). VCF-style: chr4-84721543-G-A. GRCh37 (hg19) VCF-style: chr4-85642696-G-A.
Other names: short protein forms R2491*.
Identifiers: ClinVar variation 1298961 (VCV001298961.38), dbSNP rs2149086804, ClinGen allele CA357544513.

ClinVar aggregate classification (germline): Likely pathogenic. Review status: criteria provided, multiple submitters, no conflicts (2 of 4 stars). 2 submissions from 2 submitters: Likely pathogenic (2). Last evaluated 2021-12-07.

Submissions (2):

GeneDx
Classification: Likely pathogenic. Last evaluated: 2021-12-07. Review status: criteria provided, single submitter. Criteria: GeneDx Variant Classification Process June 2021. Collection method: clinical testing. Allele origin: germline. Affected: yes.
Comment: Nonsense variant predicted to result in protein truncation or nonsense mediated decay in a gene for which loss-of-function is a known mechanism of disease; Not observed in large population cohorts (Lek et al., 2016); Has not been previously published as pathogenic or benign to our knowledge

CeGaT Center for Human Genetics Tuebingen
Classification: Likely pathogenic. Last evaluated: 2021-08-01. Review status: criteria provided, single submitter. Criteria: CeGaT Center For Human Genetics Tuebingen Variant Classification Criteria Version 2. Collection method: clinical testing. Allele origin: germline. Affected: yes. Observed: 2 variant alleles.